The following is an entry in ClinVar:

ClinVar aggregate classification (germline): Pathogenic (1 of 4 stars; one submission).

Conditions:
Hereditary cancer-predisposing syndrome. Also called: Neoplastic Syndromes, Hereditary; Tumor predisposition; Hereditary Cancer Syndrome; Hereditary neoplastic syndrome. Identifiers: Orphanet 140162, MedGen C0027672, MeSH D009386, MONDO:0015356.

Submission:

Ambry Genetics
Classification: Pathogenic for Hereditary cancer-predisposing syndrome. Last evaluated: 2018-05-02. Review status: criteria provided, single submitter. Criteria: Ambry Variant Classification Scheme 2023. Collection method: clinical testing. Allele origin: germline.
Comment: The c.1840_1843delAAAG pathogenic mutation, located in coding exon 11 of the PMS2 gene, results from a deletion of 4 nucleotides at nucleotide positions 1840 to 1843, causing a translational frameshift with a predicted alternate stop codon (p.K614Lfs*8). This alteration is expected to result in loss of function by premature protein truncation or nonsense-mediated mRNA decay. As such, this alteration is interpreted as a disease-causing mutation.

NM_000535.7(PMS2):c.1840_1843del (p.Lys614fs)

Gene: PMS2 (PMS1 homolog 2, mismatch repair system component; minus strand). Cytogenetic location: 7p22.1.
Variant type: Deletion.
Coding change: c.1840_1843del on transcript NM_000535.7 (MANE Select); coding-DNA positions 1840 to 1843, 4 bases deleted (AAAG; older notation c.1840_1843delAAAG).
Protein change: p.Lys614fs; shifts the reading frame from lysine 614.
Molecular consequence: frameshift variant. On other transcripts: non-coding transcript variant (1).
Genome position (GRCh38, 1-based): chr7:5,986,922-5,986,925, CTTT deleted on the plus strand (AAAG on the coding strand, the reverse complement: PMS2 is on the minus strand); deleting any 4 consecutive bases within chr7:5,986,922-5,986,928 gives the same sequence; the c. name uses the placement nearest the transcript's 3' end. VCF-style (leftmost placement, unchanged base first): chr7-5986921-ACTTT-A. GRCh37 (hg19) VCF-style: chr7-6026552-ACTTT-A.
Other names: c.1432_1435delAAGA, p.Lys479Leufs (NM_001018040.1, NM_001406887.1, NM_001406888.1 and 13 more transcripts); c.1435_1438del, p.Lys479fs (NM_001322003.2, NM_001322004.2, NM_001322005.2 and 1 more transcripts); c.1684_1687del, p.Lys562fs (NM_001322006.2); c.1522_1525del, p.Lys508fs (NM_001322007.2, NM_001322008.2); c.1279_1282del, p.Lys427fs (NM_001322010.2); c.907_910del, p.Lys303fs (NM_001322011.2, NM_001322012.2); c.1267_1270del, p.Lys423fs (NM_001322013.2); c.1840_1843del, p.Lys614fs (NM_001322014.2); and 20 more; short protein forms K511fs, K427fs, K303fs, K423fs, K508fs, K562fs, K614fs, K479fs.
Identifiers: ClinVar variation 1781147 (VCV001781147.2), dbSNP rs2535724569, ClinGen allele CA2580076876.